The following is an entry in ClinVar:

ClinVar aggregate classification (germline): Pathogenic (1 of 4 stars; one submission).

Conditions:
Hereditary breast ovarian cancer syndrome. Also called: Hereditary breast and ovarian cancer syndrome; Hereditary breast and/or ovarian cancer syndrome; Hereditary breast and ovarian cancer syndrome (HBOC); Hereditary breast and ovarian cancer; Breast and ovarian cancer; BRCA1- and BRCA2-Associated Hereditary Breast and Ovarian Cancer. Identifiers: Orphanet 145, MedGen C0677776, MeSH D061325, MONDO:0003582. Disease mechanism: loss of function.

Submission:

Women's Health and Genetics/Laboratory Corporation of America, LabCorp
Classification: Pathogenic for Hereditary breast ovarian cancer syndrome. Last evaluated: 2022-03-18. Review status: criteria provided, single submitter. Criteria: LabCorp Variant Classification Summary - May 2015. Collection method: clinical testing. Allele origin: germline.
Comment: Variant summary: The variant identified by MLPA or other technology involves the deletion of exon 23 (i.e. the last exon) of the BRCA1 gene. A presumed nomenclature of c.(5467+1_5468-1)_(*1384_?)del has been designated for the purposes of this classification. While this deletion is not expected to result in nonsense mediated decay, it is predicted to lead to the partial removal of the C-terminal BRCT domain (IPR001357). Truncating variants affecting this region have been classified as pathogenic by our laboratory. The variant was absent in 21694 control chromosomes (gnomAD, Structural Variants dataset). Deletion of exon 23 (also known as exon 24 using alternate exon numbering), has been reported in the literature in multiple individuals affected with Hereditary Breast and Ovarian Cancer Syndrome (e.g. Kwong_2016, Mehta_2018, Rebbeck_2018). These data indicate that the variant is very likely to be associated with disease. A ClinVar submitter (evaluation after 2014) cites the variant as pathogenic. Based on the evidence outlined above, the variant was classified as pathogenic.

Literature cited by the submitters: PubMed 26187060; PubMed 29446198; PubMed 30555256.

NC_000017.11:g.(?_43044294)_(43045803_43047642)del

Gene: BRCA1 (BRCA1 DNA repair associated; minus strand). Cytogenetic location: 17q21.31.
Variant type: Deletion.
Identifiers: ClinVar variation 981969 (VCV000981969.2).